The following is an entry in ClinVar:

NM_000180.4(GUCY2D):c.3296C>T (p.Pro1099Leu)

Gene: GUCY2D (guanylate cyclase 2D, retinal; plus strand). Cytogenetic location: 17p13.1.
Variant type: single nucleotide variant.
Coding change: c.3296C>T on transcript NM_000180.4 (MANE Select); coding-DNA position 3296, C replaced by T.
Protein change: p.Pro1099Leu; replaces proline 1099 with leucine.
Molecular consequence: missense variant.
Genome position (GRCh38, 1-based): chr17:8,016,514, C>T. VCF-style: chr17-8016514-C-T. GRCh37 (hg19) VCF-style: chr17-7919832-C-T.
Other names: short protein forms P1099L.
Identifiers: ClinVar variation 4791370 (VCV004791370.1).
Genomic context (GRCh38, chr17:8,016,514, plus strand): 5'-ACGGCATCAGCCTGCAGGAGATCCCACCCGAGCGGCGACGGAAGCTGGAGAAGGCGCGGC[C>T]GGGCCAGTTCTCTTGAGAAGTGAGGCCCGGCCCCGGACAGGTACTGCCCCCTCAGCCCCA-3'
Protein context (NP_000171.1, residues 1089-1103): ERRRKLEKAR[Pro1099Leu]GQFS

ClinVar aggregate classification (germline): Uncertain significance (1 of 4 stars; one submission).

Conditions:
Leber congenital amaurosis 1 (LCA1). Also called: AMAUROSIS CONGENITA OF LEBER I; RETINAL BLINDNESS, CONGENITAL; Congenital absence of the rods and cones; Leber's congenital tapetoretinal degeneration; Leber's congenital tapetoretinal dysplasia. Identifiers: Orphanet 65, MedGen C2931258, MONDO:0008764, OMIM 204000.
Cone-rod dystrophy 6 (CORD6). Also called: RETINAL CONE DYSTROPHY 2; Cone dystrophy progressive. Identifiers: Orphanet 1872, MedGen C1866293, MONDO:0011143, OMIM 601777.

gnomAD v4.1: 2 of 1,569,394 alleles (0.00013%); highest among the groups gnomAD compares: East Asian, 0.0023%; no homozygotes.

Submission:

Labcorp Genetics (formerly Invitae), Labcorp
Classification: Uncertain significance for Leber congenital amaurosis 1; Cone-rod dystrophy 6. Last evaluated: 2025-05-14. Review status: criteria provided, single submitter. Criteria: Invitae Variant Classification Sherloc (09022015). Collection method: clinical testing. Allele origin: germline.
Comment: This sequence change replaces proline, which is neutral and non-polar, with leucine, which is neutral and non-polar, at codon 1099 of the GUCY2D protein (p.Pro1099Leu). This variant is not present in population databases (gnomAD no frequency). This variant has not been reported in the literature in individuals affected with GUCY2D-related conditions. Invitae Evidence Modeling of protein sequence and biophysical properties (such as structural, functional, and spatial information, amino acid conservation, physicochemical variation, residue mobility, and thermodynamic stability) indicates that this missense variant is not expected to disrupt GUCY2D protein function with a negative predictive value of 95%. In summary, the available evidence is currently insufficient to determine the role of this variant in disease. Therefore, it has been classified as a Variant of Uncertain Significance.